The following is an entry in ClinVar:

NM_018010.4(IFT57):c.1151A>G (p.Lys384Arg)

Gene: IFT57 (intraflagellar transport 57; minus strand). Cytogenetic location: 3q13.12.
Variant type: single nucleotide variant.
Coding change: c.1151A>G on transcript NM_018010.4 (MANE Select); coding-DNA position 1151, A replaced by G.
Protein change: p.Lys384Arg; replaces lysine 384 with arginine.
Molecular consequence: missense variant.
Genome position (GRCh38, 1-based): chr3:108,162,616, T>C on the plus strand (A>G on the coding strand, the complement: IFT57 is on the minus strand). VCF-style: chr3-108162616-T-C. GRCh37 (hg19) VCF-style: chr3-107881463-T-C.
Other names: short protein forms K384R.
Identifiers: ClinVar variation 4748383 (VCV004748383.1).

ClinVar aggregate classification (germline): Uncertain significance (1 of 4 stars; one submission).

gnomAD v4.1: 25 of 1,611,330 alleles (0.0016%); highest among the groups gnomAD compares: African/African-American, 0.019%; no homozygotes.

Submission:

Labcorp Genetics (formerly Invitae), Labcorp
Classification: Uncertain significance. Last evaluated: 2025-07-30. Review status: criteria provided, single submitter. Criteria: Invitae Variant Classification Sherloc (09022015). Collection method: clinical testing. Allele origin: germline.
Comment: This sequence change replaces lysine, which is basic and polar, with arginine, which is basic and polar, at codon 384 of the IFT57 protein (p.Lys384Arg). This variant is present in population databases (rs146677431, gnomAD 0.03%). This variant has not been reported in the literature in individuals affected with IFT57-related conditions. An algorithm developed to predict the effect of missense changes on protein structure and function (PolyPhen-2) suggests that this variant is likely to be tolerated. In summary, the available evidence is currently insufficient to determine the role of this variant in disease. Therefore, it has been classified as a Variant of Uncertain Significance.